The following is an entry in ClinVar:

ClinVar aggregate classification (germline): Benign. Review status: criteria provided, single submitter (1 of 4 stars). 2 submissions from 2 submitters: Benign (1). 1 of the submissions does not count toward it. Last evaluated 2025-03-18.

Conditions:
GREB1L-related disorder. Also called: GREB1L-related condition.

Allele frequency attached by ClinVar (database versions not stated): gnomAD exomes 0.00008; ExAC 0.00021; ESP Exome Variant Server 0.00022; 1000 Genomes Project 0.00060; gnomAD 0.00072; TOPMed 0.00073; 1000 Genomes Project 30x 0.00078.
gnomAD v4.1: 221 of 1,550,444 alleles (0.014%); highest among the groups gnomAD compares: African/African-American, 0.22%; no homozygotes.

Submissions (2):

Labcorp Genetics (formerly Invitae), Labcorp
Classification: Benign. Last evaluated: 2025-03-18. Review status: criteria provided, single submitter. Criteria: Invitae Variant Classification Sherloc (09022015). Collection method: clinical testing. Allele origin: germline.

PreventionGenetics, part of Exact Sciences
Classification: Likely benign for GREB1L-related condition. Last evaluated: 2019-03-20. Review status: no assertion criteria provided. Collection method: clinical testing. Allele origin: germline. Not counted in ClinVar's aggregate classification.
Comment: This variant is classified as likely benign based on ACMG/AMP sequence variant interpretation guidelines (Richards et al. 2015 PMID: 25741868, with internal and published modifications).

NM_001142966.3(GREB1L):c.5766T>C (p.His1922=)

Gene: GREB1L (GREB1 like retinoic acid receptor coactivator; plus strand). Cytogenetic location: 18q11.2.
Variant type: single nucleotide variant.
Coding change: c.5766T>C on transcript NM_001142966.3 (MANE Select); coding-DNA position 5766, T replaced by C.
Protein change: p.His1922=; no amino-acid change (histidine 1922 retained).
Molecular consequence: synonymous variant.
Genome position (GRCh38, 1-based): chr18:21,522,815, T>C. VCF-style: chr18-21522815-T-C. GRCh37 (hg19) VCF-style: chr18-19102776-T-C.
Other names: c.5895T>C, p.His1965= (NM_001410867.1); c.5439T>C, p.His1813= (NM_001410868.1); c.5766T>C (NM_001142966.1).
Identifiers: ClinVar variation 2043915 (VCV002043915.6), dbSNP rs373219569, ClinGen allele CA8906764.